The following is an entry in ClinVar:

NM_000618.5(IGF1):c.*1753C>A

Genes: LINC02456 (long intergenic non-protein coding RNA 2456; plus strand), IGF1 (insulin like growth factor 1; minus strand). Cytogenetic location: 12q23.2.
Variant type: single nucleotide variant.
Coding change: c.*1753C>A on transcript NM_000618.5 (MANE Select); 1753 bases downstream of the stop codon, C replaced by A.
Molecular consequence: 3 prime UTR variant.
Genome position (GRCh38, 1-based): chr12:102,400,754, G>T on the plus strand (C>A on the coding strand, the complement: IGF1 is on the minus strand). VCF-style: chr12-102400754-G-T. GRCh37 (hg19) VCF-style: chr12-102794532-G-T.
Other names: c.*1787C>A (NM_001111283.3); c.*1753C>A (NM_001111284.2).
Identifiers: ClinVar variation 306893 (VCV000306893.5), dbSNP rs5742703, ClinGen allele CA10639969.
Genomic context (GRCh38, chr12:102,400,754, plus strand): 5'-TGTGTTTTTCAAAATGAATAGAATATTATTTATAGTATTAAACGAGGTTTTACTAGATAT[G>T]TAGTAACTGCATAGAAGAGTCAGTGAGTGCTAACAAAGAGTAATTAATTCCCCTTTCACT-3'

ClinVar aggregate classification (germline): Likely benign (1 of 4 stars; one submission).

Conditions:
Growth delay due to insulin-like growth factor type 1 deficiency (IGF1D). Also called: GROWTH RETARDATION WITH SENSORINEURAL DEAFNESS AND MENTAL RETARDATION; IGF1 DEFICIENCY. Identifiers: Orphanet 73272, MedGen C1837475, MONDO:0012110, OMIM 608747.

Allele frequency attached by ClinVar (database versions not stated): gnomAD 0.00001 and 0.00010; TOPMed 0.00002; 1000 Genomes Project 30x 0.00125; 1000 Genomes Project 0.00160.

Submission:

Illumina Laboratory Services, Illumina
Classification: Likely benign for Growth delay due to insulin-like growth factor type 1 deficiency. Last evaluated: 2018-01-12. Review status: criteria provided, single submitter. Criteria: ICSL Variant Classification Criteria 13 December 2019. Collection method: clinical testing. Allele origin: germline.
Comment: This variant was observed in the ICSL laboratory as part of a predisposition screen in an ostensibly healthy population. It had not been previously curated by ICSL or reported in the Human Gene Mutation Database (HGMD: prior to June 1st, 2018), and was therefore a candidate for classification through an automated scoring system. Utilizing variant allele frequency, disease prevalence and penetrance estimates, and inheritance mode, an automated score was calculated to assess if this variant is too frequent to cause the disease. Based on the score and internal cut-off values, a variant classified as likely benign is not then subjected to further curation. The score for this variant resulted in a classification of likely benign for this disease.